The following is an entry in ClinVar:

ClinVar aggregate classification (germline): Uncertain significance (1 of 4 stars; one submission).

gnomAD v4.1: 6 of 1,613,810 alleles (0.00037%); highest among the groups gnomAD compares: East Asian, 0.0089%; no homozygotes.

Submission:

Labcorp Genetics (formerly Invitae), Labcorp
Classification: Uncertain significance. Last evaluated: 2025-11-12. Review status: criteria provided, single submitter. Criteria: Invitae Variant Classification Sherloc (09022015). Collection method: clinical testing. Allele origin: germline.
Comment: This sequence change replaces alanine, which is neutral and non-polar, with valine, which is neutral and non-polar, at codon 705 of the RNF31 protein (p.Ala705Val). This variant is present in population databases (rs771588926, gnomAD 0.006%). This variant has not been reported in the literature in individuals affected with RNF31-related conditions. An algorithm developed to predict the effect of missense changes on protein structure and function outputs the following: PolyPhen-2: "Benign". The valine amino acid residue is found in multiple mammalian species, which suggests that this missense change does not adversely affect protein function. In summary, the available evidence is currently insufficient to determine the role of this variant in disease. Therefore, it has been classified as a Variant of Uncertain Significance.

NM_017999.5(RNF31):c.2114C>T (p.Ala705Val)

Gene: RNF31 (ring finger protein 31; plus strand). Cytogenetic location: 14q12.
Variant type: single nucleotide variant.
Coding change: c.2114C>T on transcript NM_017999.5 (MANE Select); coding-DNA position 2114, C replaced by T.
Protein change: p.Ala705Val; replaces alanine 705 with valine.
Molecular consequence: missense variant.
Genome position (GRCh38, 1-based): chr14:24,151,976, C>T. VCF-style: chr14-24151976-C-T. GRCh37 (hg19) VCF-style: chr14-24621185-C-T.
Other names: c.1661C>T, p.Ala554Val (NM_001310332.2); short protein forms A554V, A705V.
Identifiers: ClinVar variation 4804337 (VCV004804337.1).
Genomic context (GRCh38, chr14:24,151,976, plus strand): 5'-GCCAGGACCGGGCCTTCCTGCGCCGCTTGCTTGCCCAGGAGTGTGCCGTGTGTGGCTGGG[C>T]CCTGCCCCACAACCGGGTAAGTCCCTCCCCACGATACCTGGTCCAAGAATTACTCTATTC-3'
Protein context (NP_060469.4, residues 695-715): LAQECAVCGW[Ala705Val]LPHNRMQALT